The following is an entry in ClinVar:

ClinVar aggregate classification (germline): Conflicting classifications of pathogenicity. Review status: criteria provided, conflicting classifications (1 of 4 stars). 2 submissions from 2 submitters: Uncertain significance (1); Likely benign (1). Last evaluated 2025-12-30.

Allele frequency attached by ClinVar (database versions not stated): ExAC 0.00004; gnomAD 0.00004; gnomAD exomes 0.00004 and 0.00008; TOPMed 0.00008; ESP Exome Variant Server 0.00015.

Submissions (2):

Labcorp Genetics (formerly Invitae), Labcorp
Classification: Uncertain significance. Last evaluated: 2025-12-30. Review status: criteria provided, single submitter. Criteria: Invitae Variant Classification Sherloc (09022015). Collection method: clinical testing. Allele origin: germline.
Comment: This sequence change replaces methionine, which is neutral and non-polar, with valine, which is neutral and non-polar, at codon 220 of the ELOVL4 protein (p.Met220Val). This variant is present in population databases (rs141364884, gnomAD 0.09%). This variant has not been reported in the literature in individuals affected with ELOVL4-related conditions. ClinVar contains an entry for this variant (Variation ID: 939286). Invitae Evidence Modeling of protein sequence and biophysical properties (such as structural, functional, and spatial information, amino acid conservation, physicochemical variation, residue mobility, and thermodynamic stability) indicates that this missense variant is not expected to disrupt ELOVL4 protein function with a negative predictive value of 80%. In summary, the available evidence is currently insufficient to determine the role of this variant in disease. Therefore, it has been classified as a Variant of Uncertain Significance.

Blueprint Genetics
Classification: Likely benign. Last evaluated: 2023-01-19. Review status: criteria provided, single submitter. Criteria: ACMG Guidelines, 2015. Collection method: clinical testing. Allele origin: germline.

NM_022726.4(ELOVL4):c.658A>G (p.Met220Val)

Gene: ELOVL4 (ELOVL fatty acid elongase 4; minus strand). Cytogenetic location: 6q14.1.
Variant type: single nucleotide variant.
Coding change: c.658A>G on transcript NM_022726.4 (MANE Select); coding-DNA position 658, A replaced by G.
Protein change: p.Met220Val; replaces methionine 220 with valine.
Molecular consequence: missense variant.
Genome position (GRCh38, 1-based): chr6:79,919,431, T>C on the plus strand (A>G on the coding strand, the complement: ELOVL4 is on the minus strand). VCF-style: chr6-79919431-T-C. GRCh37 (hg19) VCF-style: chr6-80629148-T-C.
Other names: short protein forms M220V.
Identifiers: ClinVar variation 939286 (VCV000939286.10), dbSNP rs141364884, ClinGen allele CA3901488.
Genomic context (GRCh38, chr6:79,919,431, plus strand): 5'-AACAATTTCAGTATTTTACCAGAAGAAACTTTGGAAGCATTTAACTCACCAGTTGCAACA[T>C]AGTCAGGTATCGTTTCCACCAAAGATATTTCTGAATCCATGGGCCAAATGCAGTTAACCC-3'
Protein context (NP_073563.1, residues 210-230): KYLWWKRYLT[Met220Val]LQLIQFHVTI